The following is an entry in ClinVar:

NM_025074.7(FRAS1):c.5027G>A (p.Gly1676Asp)

Gene: FRAS1 (Fraser extracellular matrix complex subunit 1; plus strand). Cytogenetic location: 4q21.21.
Variant type: single nucleotide variant.
Coding change: c.5027G>A on transcript NM_025074.7 (MANE Select); coding-DNA position 5027, G replaced by A.
Protein change: p.Gly1676Asp; replaces glycine 1676 with aspartic acid.
Molecular consequence: missense variant.
Genome position (GRCh38, 1-based): chr4:78,432,414, G>A. VCF-style: chr4-78432414-G-A. GRCh37 (hg19) VCF-style: chr4-79353568-G-A.
Other names: c.5027G>A, p.Gly1676Asp (NM_001166133.2); c.5027G>A (NM_025074.6); short protein forms G1676D.
Identifiers: ClinVar variation 1360993 (VCV001360993.6), dbSNP rs1197038878, ClinGen allele CA357386128.
Genomic context (GRCh38, chr4:78,432,414, plus strand): 5'-AAGGTGACACTTTCACCTATGAGGATGTTGAGAAAAATGCTCTACAGTATATACATGATG[G>A]TTCCTCTACCCGGGAAGACAGCATGGAGATCTCAGTCACAGATGGCCTCACAGTGACAAT-3'
Protein context (NP_079350.5, residues 1666-1686): EKNALQYIHD[Gly1676Asp]SSTREDSMEI

ClinVar aggregate classification (germline): Uncertain significance. Review status: criteria provided, multiple submitters, no conflicts (2 of 4 stars). 3 submissions from 3 submitters: Uncertain significance (2). 1 of the submissions does not count toward it. Last evaluated 2022-07-11.

Conditions:
FRAS1-related disorder. Also called: FRAS1-related condition.
Fraser syndrome 1 (FRASRS1). Also called: CRYPTOPHTHALMOS WITH OTHER MALFORMATIONS. Identifiers: Orphanet 2052, MedGen C4551480, MONDO:0054737, OMIM 219000.

Allele frequency attached by ClinVar (database versions not stated): gnomAD exomes 0.00002 and 0.00004; TOPMed 0.00002.
gnomAD v4.1: 12 of 1,611,642 alleles (0.00074%); highest among the groups gnomAD compares: Admixed American, 0.015%; no homozygotes.

Submissions (3):

Labcorp Genetics (formerly Invitae), Labcorp
Classification: Uncertain significance. Last evaluated: 2022-07-11. Review status: criteria provided, single submitter. Criteria: Invitae Variant Classification Sherloc (09022015). Collection method: clinical testing. Allele origin: germline.
Comment: This sequence change replaces glycine, which is neutral and non-polar, with aspartic acid, which is acidic and polar, at codon 1676 of the FRAS1 protein (p.Gly1676Asp). This variant is present in population databases (no rsID available, gnomAD 0.03%). This variant has not been reported in the literature in individuals affected with FRAS1-related conditions. ClinVar contains an entry for this variant (Variation ID: 1360993). Algorithms developed to predict the effect of missense changes on protein structure and function (SIFT, PolyPhen-2, Align-GVGD) all suggest that this variant is likely to be disruptive. In summary, the available evidence is currently insufficient to determine the role of this variant in disease. Therefore, it has been classified as a Variant of Uncertain Significance.

Fulgent Genetics
Classification: Uncertain significance for Fraser syndrome 1. Last evaluated: 2022-03-16. Review status: criteria provided, single submitter. Criteria: ACMG Guidelines, 2015. Collection method: clinical testing. Allele origin: unknown.

PreventionGenetics, part of Exact Sciences
Classification: Uncertain significance for FRAS1-related condition. Last evaluated: 2023-12-11. Review status: no assertion criteria provided. Collection method: clinical testing. Allele origin: germline. Not counted in ClinVar's aggregate classification.
Comment: The FRAS1 c.5027G>A variant is predicted to result in the amino acid substitution p.Gly1676Asp. To our knowledge, this variant has not been reported in the literature. This variant is reported in 0.026% of alleles in individuals of Latino descent in gnomAD. At this time, the clinical significance of this variant is uncertain due to the absence of conclusive functional and genetic evidence.